The following is an entry in ClinVar:

NM_017952.6(PTCD3):c.71G>A (p.Arg24Gln)

Genes: PTCD3 (pentatricopeptide repeat domain 3; plus strand), LOC129934244 (ATAC-STARR-seq lymphoblastoid active region 16154; plus strand). Cytogenetic location: 2p11.2.
Variant type: single nucleotide variant.
Coding change: c.71G>A on transcript NM_017952.6 (MANE Select); coding-DNA position 71, G replaced by A.
Protein change: p.Arg24Gln; replaces arginine 24 with glutamine.
Molecular consequence: missense variant.
Genome position (GRCh38, 1-based): chr2:86,106,318, G>A. VCF-style: chr2-86106318-G-A. GRCh37 (hg19) VCF-style: chr2-86333441-G-A.
Other names: short protein forms R24Q.
Identifiers: ClinVar variation 2237966 (VCV002237966.16), dbSNP rs143556907, ClinGen allele CA1746850.

ClinVar aggregate classification (germline): Conflicting classifications of pathogenicity. Review status: criteria provided, conflicting classifications (1 of 4 stars). 2 submissions from 2 submitters: Uncertain significance (1); Likely benign (1). Last evaluated 2024-12-31.

Conditions:
Inborn genetic diseases. Identifiers: MedGen C0950123, MeSH D030342.

Allele frequency attached by ClinVar (database versions not stated): 1000 Genomes Project 30x 0.00016; 1000 Genomes Project 0.00020; gnomAD 0.00027; TOPMed 0.00031; gnomAD exomes 0.00048; ESP Exome Variant Server 0.00069.
gnomAD v4.1: 744 of 1,614,068 alleles (0.046%); highest among the groups gnomAD compares: Non-Finnish European, 0.06%; no homozygotes.

Submissions (2):

Ambry Genetics
Classification: Uncertain significance for Inborn genetic diseases. Last evaluated: 2024-12-31. Review status: criteria provided, single submitter. Criteria: Ambry Variant Classification Scheme 2023. Collection method: clinical testing. Allele origin: germline.

CeGaT Center for Human Genetics Tuebingen
Classification: Likely benign. Last evaluated: 2024-12-01. Review status: criteria provided, single submitter. Criteria: CeGaT Center For Human Genetics Tuebingen Variant Classification Criteria Version 2. Collection method: clinical testing. Allele origin: germline. Affected: yes. Observed: 1 variant allele.
Comment: PTCD3: BP4